The following is an entry in ClinVar:

NM_002693.3(POLG):c.659+6T>C

Genes: POLG (DNA polymerase gamma, catalytic subunit; minus strand), POLGARF (POLG alternative reading frame; minus strand). Cytogenetic location: 15q26.1.
Variant type: single nucleotide variant.
Coding change: c.659+6T>C on transcript NM_002693.3 (MANE Select); 6 bases into the intron after coding-DNA position 659, T replaced by C.
Molecular consequence: intron variant.
Genome position (GRCh38, 1-based): chr15:89,333,090, A>G on the plus strand (T>C on the coding strand, the complement: POLG is on the minus strand). VCF-style: chr15-89333090-A-G. GRCh37 (hg19) VCF-style: chr15-89876321-A-G.
Other names: c.659+6T>C (NM_001126131.2).
Identifiers: ClinVar variation 508239 (VCV000508239.5), dbSNP rs1429417228, ClinGen allele CA658798418.
Genomic context (GRCh38, chr15:89,333,090, plus strand): 5'-CACTGAAACAAACTATTAAGCTGGGCCCCCATGCCTGCTTATGTCCCCAACCCTGCCCCT[A>G]CTTACCAGGCCGAGGGGGATATGGCCACCGCCAATGTGGGGCAAGTTCCCTCTGCCAAGC-3'

ClinVar aggregate classification (germline): Conflicting classifications of pathogenicity. Review status: criteria provided, conflicting classifications (1 of 4 stars). 2 submissions from 2 submitters: Uncertain significance (1); Likely benign (1). Last evaluated 2025-06-17.

Conditions:
Progressive sclerosing poliodystrophy (MTDPS4A). Also called: Alpers-Huttenlocher Syndrome (AHS); ALPERS PROGRESSIVE INFANTILE POLIODYSTROPHY; Mitochondrial DNA Depletion Syndrome 4A; Mitochondrial DNA depletion syndrome 4A (Alpers type); NEURONAL DEGENERATION OF CHILDHOOD WITH LIVER DISEASE, PROGRESSIVE; Alpers Syndrome. Identifiers: Orphanet 726, MedGen C0205710, MONDO:0008758, OMIM 203700.

Allele frequency attached by ClinVar (database versions not stated): TOPMed 0.00001; gnomAD exomes 0.00002.
gnomAD v4.1: 29 of 1,511,396 alleles (0.0019%); highest among the groups gnomAD compares: Non-Finnish European, 0.0024%; no homozygotes.

Submissions (2):

Labcorp Genetics (formerly Invitae), Labcorp
Classification: Uncertain significance for Progressive sclerosing poliodystrophy. Last evaluated: 2025-06-17. Review status: criteria provided, single submitter. Criteria: Invitae Variant Classification Sherloc (09022015). Collection method: clinical testing. Allele origin: germline.
Comment: This sequence change falls in intron 2 of the POLG gene. It does not directly change the encoded amino acid sequence of the POLG protein. It affects a nucleotide within the consensus splice site. This variant is not present in population databases (gnomAD no frequency). This variant has not been reported in the literature in individuals affected with POLG-related conditions. ClinVar contains an entry for this variant (Variation ID: 508239). Variants that disrupt the consensus splice site are a relatively common cause of aberrant splicing (PMID: 17576681, 9536098). Algorithms developed to predict the effect of sequence changes on RNA splicing suggest that this variant is not likely to affect RNA splicing. In summary, the available evidence is currently insufficient to determine the role of this variant in disease. Therefore, it has been classified as a Variant of Uncertain Significance.

GeneDx
Classification: Likely benign. Last evaluated: 2017-03-22. Review status: criteria provided, single submitter. Criteria: GeneDx Variant Classification (06012015). Collection method: clinical testing. Allele origin: germline. Affected: yes.
Comment: This variant is considered likely benign or benign based on one or more of the following criteria: it is a conservative change, it occurs at a poorly conserved position in the protein, it is predicted to be benign by multiple in silico algorithms, and/or has population frequency not consistent with disease.

Literature cited by the submitters: PubMed 17576681 (cited by Labcorp Genetics (formerly Invitae), Labcorp); PubMed 9536098 (cited by Labcorp Genetics (formerly Invitae), Labcorp).